The following is an entry in ClinVar:

NM_000492.4(CFTR):c.3700A>G (p.Ile1234Val)

Genes: CFTR (CF transmembrane conductance regulator; plus strand), CFTR-AS2 (CFTR antisense RNA 2; minus strand). Cytogenetic location: 7q31.2.
Variant type: single nucleotide variant.
Coding change: c.3700A>G on transcript NM_000492.4 (MANE Select); coding-DNA position 3700, A replaced by G.
Protein change: p.Ile1234Val; replaces isoleucine 1234 with valine.
Molecular consequence: missense variant.
Genome position (GRCh38, 1-based): chr7:117,627,753, A>G. VCF-style: chr7-117627753-A-G. GRCh37 (hg19) VCF-style: chr7-117267807-A-G.
Other names: short protein forms I1234V.
Identifiers: ClinVar variation 7215 (VCV000007215.33), dbSNP rs75389940, ClinGen allele CA325601.
Genomic context (GRCh38, chr7:117,627,753, plus strand): 5'-GATCTCACAGCAAAATACACAGAAGGTGGAAATGCCATATTAGAGAACATTTCCTTCTCA[A>G]TAAGTCCTGGCCAGAGGGTGAGATTTGAACACTGCTTGCTTTGTTAGACTGTGTTCAGTA-3'
Protein context (NP_000483.3, residues 1224-1244): NAILENISFS[Ile1234Val]SPGQRVGLLG

ClinVar aggregate classification (germline): Pathogenic. Review status: reviewed by expert panel (3 of 4 stars). 18 submissions from 17 submitters: Pathogenic (1). 17 of the submissions do not count toward it. Last evaluated 2017-03-17.

Conditions:
CFTR-related disorder (CFTR-RD). Also called: CFTR-related condition; CFTR-related disorders. Identifiers: MedGen C5924204, MONDO:7770004.
Bronchiectasis with or without elevated sweat chloride 1 (BESC1). Also called: Cystic Fibrosis-Like Syndrome. Identifiers: Orphanet 60033, MedGen C2749757, MONDO:0008887, OMIM 211400.
Cystic fibrosis (CF). Also called: MUCOVISCIDOSIS. Identifiers: Orphanet 586, MedGen C0010674, MONDO:0009061, OMIM 219700. Disease mechanism: loss of function.

Allele frequency attached by ClinVar (database versions not stated): gnomAD exomes below 0.00001 and 0.00001; ExAC 0.00001.
gnomAD v4.1: 11 of 1,612,058 alleles (0.00068%); highest among the groups gnomAD compares: Middle Eastern, 0.13%; no homozygotes.

Submissions 1 to 14 of 18:

CFTR2
Classification: Pathogenic for Cystic fibrosis. Last evaluated: 2017-03-17. Review status: reviewed by expert panel. Criteria: Sosnay PR et al. (Nat Genet 2013). Collection method: research. Allele origin: germline. Affected: yes. Study: CFTR2.

Labcorp Genetics (formerly Invitae), Labcorp
Classification: Pathogenic for Cystic fibrosis. Last evaluated: 2025-11-24. Review status: criteria provided, single submitter. Criteria: Invitae Variant Classification Sherloc (09022015). Collection method: clinical testing. Allele origin: germline. Not counted in ClinVar's aggregate classification.
Comment: This sequence change replaces isoleucine, which is neutral and non-polar, with valine, which is neutral and non-polar, at codon 1234 of the CFTR protein (p.Ile1234Val). RNA analysis indicates that this missense change induces altered splicing and likely results in the loss of 6 amino acid residue(s), but is expected to preserve the integrity of the reading-frame. This variant is present in population databases (rs75389940, gnomAD 0.0009%). This missense change has been observed in individual(s) with cystic fibrosis (PMID: 10605524, 11336127, 15698946, 15948195, 21909392, 25593612, 26096753). ClinVar contains an entry for this variant (Variation ID: 7215). Invitae Evidence Modeling of protein sequence and biophysical properties (such as structural, functional, and spatial information, amino acid conservation, physicochemical variation, residue mobility, and thermodynamic stability) indicates that this missense variant is not expected to disrupt CFTR protein function with a negative predictive value of 80%. Experimental studies have shown that this missense change affects CFTR function (PMID: 15480987, 24556927, 25735457). Studies have shown that this missense change results in the activation of a cryptic splice site in exon 19 (PMID: 15480987, 24556927, 25735457). For these reasons, this variant has been classified as Pathogenic.

Natera, Inc.
Classification: Pathogenic for CFTR-related disorders. Last evaluated: 2025-05-03. Review status: criteria provided, single submitter. Criteria: Natera Variant Classification Schema (03/2026). Collection method: clinical testing. Allele origin: germline. Not counted in ClinVar's aggregate classification.
Comment: The c.3700A>G variant in CFTR is a missense variant predicted to cause substitution of isoleucine to valine at amino acid 1234. This variant is rare in the general population with a frequency below the threshold expected for the associated phenotype(s). This variant has been observed in one or more individuals affected with the associated recessive disease, as either homozygous or compound heterozygous with a second variant (PMID: 26826884, 10834512). Given the available evidence, this variant is classified as Pathogenic.

Quest Diagnostics Nichols Institute San Juan Capistrano
Classification: Pathogenic. Last evaluated: 2025-02-26. Review status: criteria provided, single submitter. Criteria: Quest Diagnostics criteria. Collection method: clinical testing. Allele origin: unknown. Not counted in ClinVar's aggregate classification.
Comment: The CFTR c.3700A>G (p.Ile1234Val) variant has been reported in the published literature in individuals affected with cystic fibrosis (PMIDs: 1284537 (1992), 9429141 (1997), 11924117 (1999), 11336127 (2001), 12630722 (2003), 15948195 (2005), 16938751 (2006), 24556927 (2014), 32843167 (2020), 34377682 (2021), 36238659 (2022)). In vitro functional analyses on the effects of this variant report reduced chloride channel function and little or no wild-type CFTR protein (PMIDs: 24556927 (2014) and 25735457 (2016)). The frequency of this variant in the general population (Genome Aggregation Database) is consistent with pathogenicity. Analysis of this variant using software algorithms for the prediction of the effect of nucleotide changes on CFTR mRNA splicing yielded predictions that this variant may result in the gain of a cryptic splice site without affecting the natural splice sites. Based on the available information, this variant is classified as pathogenic.

Genomic Medicine Center of Excellence, King Faisal Specialist Hospital and Research Centre
Classification: Pathogenic for Cystic fibrosis. Last evaluated: 2024-03-17. Review status: criteria provided, single submitter. Criteria: ACMG Guidelines, 2015. Collection method: research. Allele origin: germline. Not counted in ClinVar's aggregate classification.

Baylor Genetics
Classification: Pathogenic for Bronchiectasis with or without elevated sweat chloride 1. Last evaluated: 2023-12-02. Review status: criteria provided, single submitter. Criteria: ACMG Guidelines, 2015. Collection method: clinical testing. Allele origin: unknown. Not counted in ClinVar's aggregate classification.

Women's Health and Genetics/Laboratory Corporation of America, LabCorp
Classification: Pathogenic for Cystic fibrosis. Last evaluated: 2023-02-27. Review status: criteria provided, single submitter. Criteria: LabCorp Variant Classification Summary - May 2015. Collection method: clinical testing. Allele origin: germline. Not counted in ClinVar's aggregate classification.
Comment: Variant summary: CFTR c.3700A>G (p.Ile1234Val) results in a conservative amino acid change located in the ABC transporter-like, ATP-binding domain (IPR003439) of the encoded protein sequence. Several computational tools predict a significant impact on normal splicing: Four predict the variant creates a 5' donor site. At least one publication reports experimental evidence that this variant affects mRNA splicing by activating a cryptic donor splice site 18bp upstream of the original donor splice site, resulting in deletion of six amino acids (Molinski_2014). The variant allele was found at a frequency of 4e-06 in 249440 control chromosomes. c.3700A>G has been reported in the literature in multiple individuals affected with Cystic Fibrosis (Example: Claustres_1992, Abdul Wahab_2014, Wei_2006, Sosnay_2013 etc.). These data indicate that the variant is very likely to be associated with disease. At least one publication reports significantly impaired CFTR function (Molinski_2014). 11 clinical diagnostic laboratories have submitted clinical-significance assessments for this variant to ClinVar after 2014 without evidence for independent evaluation. All laboratories classified the variant as pathogenic. Based on the evidence outlined above, the variant was classified as pathogenic.

Revvity Omics, Revvity
Classification: Likely pathogenic. Last evaluated: 2022-09-28. Review status: criteria provided, single submitter. Criteria: ACMG Guidelines, 2015. Collection method: clinical testing. Allele origin: germline. Not counted in ClinVar's aggregate classification.

Baylor Genetics
Classification: Pathogenic for Cystic fibrosis. Last evaluated: 2020-06-10. Review status: criteria provided, single submitter. Criteria: ACMG Guidelines, 2015. Collection method: clinical testing. Allele origin: unknown. Affected: yes. Not counted in ClinVar's aggregate classification.
Comment: This variant was determined to be pathogenic according to ACMG Guidelines, 2015 [PMID:25741868].

Blueprint Genetics
Classification: Pathogenic for CFTR-related disorders. Last evaluated: 2019-09-04. Review status: criteria provided, single submitter. Criteria: ACMG Guidelines, 2015. Collection method: clinical testing. Allele origin: germline. Affected: yes. Observed: 2 variant alleles. Not counted in ClinVar's aggregate classification.

Mayo Clinic Laboratories, Mayo Clinic
Classification: Pathogenic. Last evaluated: 2019-07-03. Review status: criteria provided, single submitter. Criteria: ACMG Guidelines, 2015. Collection method: clinical testing. Allele origin: germline. Observed: 1 variant allele. Not counted in ClinVar's aggregate classification.

Mendelics
Classification: Pathogenic for Cystic fibrosis. Last evaluated: 2018-11-05. Review status: criteria provided, single submitter. Criteria: Mendelics Assertion Criteria 2017. Collection method: clinical testing. Allele origin: unknown. Affected: yes. Not counted in ClinVar's aggregate classification.

CFTR-France
Classification: Pathogenic for cystic fibrosis. Last evaluated: 2018-01-29. Review status: criteria provided, single submitter. Criteria: Claustres M et al. (Hum Mutat 2017). Collection method: curation. Allele origin: germline. Affected: yes. Not counted in ClinVar's aggregate classification.

Clinical Genetics and Genomics, Karolinska University Hospital
Classification: Pathogenic. Last evaluated: 2017-01-20. Review status: criteria provided, single submitter. Criteria: ACMG Guidelines, 2015. Collection method: clinical testing. Allele origin: germline. Affected: yes. Observed: 4 variant alleles. Not counted in ClinVar's aggregate classification.